The following is an entry in ClinVar:

ClinVar aggregate classification (germline): Uncertain significance. Review status: criteria provided, multiple submitters, no conflicts (2 of 4 stars). 4 submissions from 4 submitters: Uncertain significance (4). Last evaluated 2024-08-30.

Conditions:
Hereditary cancer-predisposing syndrome. Also called: Hereditary Cancer Syndrome; Hereditary neoplastic syndrome; Neoplastic Syndromes, Hereditary; Tumor predisposition. Identifiers: Orphanet 140162, MedGen C0027672, MeSH D009386, MONDO:0015356.
Hereditary nonpolyposis colorectal neoplasms. Identifiers: MedGen C0009405, MeSH D003123.
Lynch syndrome. Identifiers: Orphanet 144, MedGen C4552100, MONDO:0005835. Disease mechanism: loss of function.

Submissions (4):

All of Us Research Program, National Institutes of Health
Classification: Uncertain significance for Lynch syndrome. Last evaluated: 2024-08-30. Review status: criteria provided, single submitter. Criteria: ACMG Guidelines, 2015. Collection method: clinical testing. Allele origin: germline. Inheritance: Autosomal dominant inheritance. Observed: 2 variant alleles, 2 heterozygotes.
Comment: This missense variant replaces alanine with threonine at codon 16 of the MSH6 protein. Computational prediction suggests that this variant may not impact protein structure and function (internally defined REVEL score threshold <= 0.5, PMID: 27666373). To our knowledge, functional studies have not been reported for this variant. This variant has not been reported in individuals affected with MSH6-related disorders in the literature. This variant has not been identified in the general population by the Genome Aggregation Database (gnomAD). The available evidence is insufficient to determine the role of this variant in disease conclusively. Therefore, this variant is classified as a Variant of Uncertain Significance.

This study involves interpretation of variants in research participants for the purpose of population health screening. Participant phenotype was not available at the time of variant classification. Additional details can be found in publication PMID: 35346344, PMCID: PMC8962531

GeneDx
Classification: Uncertain significance. Last evaluated: 2023-06-15. Review status: criteria provided, single submitter. Criteria: GeneDx Variant Classification Process June 2021. Collection method: clinical testing. Allele origin: germline. Affected: yes.
Comment: Not observed at significant frequency in large population cohorts (gnomAD); In silico analysis supports that this missense variant does not alter protein structure/function; Has not been previously published as pathogenic or benign to our knowledge

Ambry Genetics
Classification: Uncertain significance for Hereditary cancer-predisposing syndrome. Last evaluated: 2022-04-04. Review status: criteria provided, single submitter. Criteria: Ambry Variant Classification Scheme 2023. Collection method: clinical testing. Allele origin: germline.
Comment: The p.A16T variant (also known as c.46G>A), located in coding exon 1 of the MSH6 gene, results from a G to A substitution at nucleotide position 46. The alanine at codon 16 is replaced by threonine, an amino acid with similar properties. This amino acid position is conserved. In addition, this alteration is predicted to be tolerated by in silico analysis. Since supporting evidence is limited at this time, the clinical significance of this alteration remains unclear.

Labcorp Genetics (formerly Invitae), Labcorp
Classification: Uncertain significance for Hereditary nonpolyposis colorectal neoplasms. Last evaluated: 2022-01-15. Review status: criteria provided, single submitter. Criteria: Invitae Variant Classification Sherloc (09022015). Collection method: clinical testing. Allele origin: germline.
Comment: This sequence change replaces alanine, which is neutral and non-polar, with threonine, which is neutral and polar, at codon 16 of the MSH6 protein (p.Ala16Thr). In summary, the available evidence is currently insufficient to determine the role of this variant in disease. Therefore, it has been classified as a Variant of Uncertain Significance. Advanced modeling of protein sequence and biophysical properties (such as structural, functional, and spatial information, amino acid conservation, physicochemical variation, residue mobility, and thermodynamic stability) performed at Invitae indicates that this missense variant is not expected to disrupt MSH6 protein function. This variant has not been reported in the literature in individuals affected with MSH6-related conditions. This variant is not present in population databases (gnomAD no frequency).

NM_000179.3(MSH6):c.46G>A (p.Ala16Thr)

Gene: MSH6 (mutS homolog 6; plus strand). Cytogenetic location: 2p16.3.
Variant type: single nucleotide variant.
Coding change: c.46G>A on transcript NM_000179.3 (MANE Select); coding-DNA position 46, G replaced by A.
Protein change: p.Ala16Thr; replaces alanine 16 with threonine.
Molecular consequence: missense variant. On other transcripts: 5 prime UTR variant (1).
Genome position (GRCh38, 1-based): chr2:47,783,279, G>A. VCF-style: chr2-47783279-G-A. GRCh37 (hg19) VCF-style: chr2-48010418-G-A.
Other names: c.46G>A, p.Ala16Thr (NM_001281492.2, NM_001406795.1, NM_001406796.1 and 9 more transcripts); c.-691G>A (NM_001281493.2, NM_001406811.1); c.-283G>A (NM_001406799.1); c.-10G>A (NM_001406804.1); c.-883G>A (NM_001406807.1); c.-538G>A (NM_001406812.1); c.-949G>A (NM_001406814.1); c.-494G>A (NM_001406816.1); short protein forms A16T.
Identifiers: ClinVar variation 1742543 (VCV001742543.10), dbSNP rs2103933032, ClinGen allele CA346734539.